The following is an entry in ClinVar:

NM_181877.4(ZSCAN2):c.1255C>A (p.Gln419Lys)

Gene: ZSCAN2 (zinc finger and SCAN domain containing 2; plus strand). Cytogenetic location: 15q25.2.
Variant type: single nucleotide variant.
Coding change: c.1255C>A on transcript NM_181877.4 (MANE Select); coding-DNA position 1255, C replaced by A.
Protein change: p.Gln419Lys; replaces glutamine 419 with lysine.
Molecular consequence: missense variant.
Genome position (GRCh38, 1-based): chr15:84,621,450, C>A. VCF-style: chr15-84621450-C-A. GRCh37 (hg19) VCF-style: chr15-85164681-C-A.
Other names: short protein forms Q419K.
Identifiers: ClinVar variation 161846 (VCV000161846.2), dbSNP rs193921069, ClinGen allele CA174898.
Genomic context (GRCh38, chr15:84,621,450, plus strand): 5'-TTCAGCCAGAGTTCAGCCCTCATCACCCACCGGAGAACCCACACAGGAGAGAAACCCTAC[C>A]AGTGCAGCGAGTGTGGGAAAAGCTTCAGCCGCAGCTCTAACCTGGCCACACACCGGAGAA-3'
Protein context (NP_870992.2, residues 409-429): RRTHTGEKPY[Gln419Lys]CSECGKSFSR

ClinVar aggregate classification (germline): Uncertain significance (0 of 4 stars; one submission).

Conditions:
Prostate cancer. Also called: Malignant tumor of prostate. Identifiers: Orphanet 1331, MedGen C0376358, MONDO:0008315, HP:0012125.

Submission:

Science for Life laboratory,  Karolinska Institutet
Classification: Uncertain significance for Malignant tumor of prostate. Review status: no assertion criteria provided. Collection method: not provided. Allele origin: somatic.
Comment: TumorID:SWE-90A
ClinVar note: Converted during submission from Unknown to Uncertain significance.